The following is an entry in ClinVar:

ClinVar aggregate classification (germline): Uncertain significance. Review status: criteria provided, multiple submitters, no conflicts (2 of 4 stars). 2 submissions from 2 submitters: Uncertain significance (2). Last evaluated 2025-02-07.

Conditions:
Inborn genetic diseases. Identifiers: MedGen C0950123, MeSH D030342.

gnomAD v4.1: 8 of 1,614,260 alleles (0.0005%); highest among the groups gnomAD compares: Non-Finnish European, 0.00059%; no homozygotes.

Submissions (2):

Ambry Genetics
Classification: Uncertain significance for Inborn genetic diseases. Last evaluated: 2025-02-07. Review status: criteria provided, single submitter. Criteria: Ambry Variant Classification Scheme 2023. Collection method: clinical testing. Allele origin: germline.

Labcorp Genetics (formerly Invitae), Labcorp
Classification: Uncertain significance. Last evaluated: 2022-06-10. Review status: criteria provided, single submitter. Criteria: Invitae Variant Classification Sherloc (09022015). Collection method: clinical testing. Allele origin: germline.
Comment: In summary, the available evidence is currently insufficient to determine the role of this variant in disease. Therefore, it has been classified as a Variant of Uncertain Significance. Algorithms developed to predict the effect of missense changes on protein structure and function are either unavailable or do not agree on the potential impact of this missense change (SIFT: "Deleterious"; PolyPhen-2: "Probably Damaging"; Align-GVGD: "Class C0"). This variant has not been reported in the literature in individuals affected with LRRK1-related conditions. This variant is present in population databases (no rsID available, gnomAD 0.01%). This sequence change replaces arginine, which is basic and polar, with cysteine, which is neutral and slightly polar, at codon 767 of the LRRK1 protein (p.Arg767Cys).

NM_024652.6(LRRK1):c.2299C>T (p.Arg767Cys)

Gene: LRRK1 (leucine rich repeat kinase 1; plus strand). Cytogenetic location: 15q26.3.
Variant type: single nucleotide variant.
Coding change: c.2299C>T on transcript NM_024652.6 (MANE Select); coding-DNA position 2299, C replaced by T.
Protein change: p.Arg767Cys; replaces arginine 767 with cysteine.
Molecular consequence: missense variant.
Genome position (GRCh38, 1-based): chr15:101,026,031, C>T. VCF-style: chr15-101026031-C-T. GRCh37 (hg19) VCF-style: chr15-101566236-C-T.
Other names: c.2299C>T (NM_024652.3); short protein forms R767C.
Identifiers: ClinVar variation 2026226 (VCV002026226.5), dbSNP rs1186256525, ClinGen allele CA393965244.